The following is an entry in ClinVar:

NM_000742.4(CHRNA2):c.212A>G (p.Asn71Ser)

Gene: CHRNA2 (cholinergic receptor nicotinic alpha 2 subunit; minus strand). Cytogenetic location: 8p21.2.
Variant type: single nucleotide variant.
Coding change: c.212A>G on transcript NM_000742.4 (MANE Select); coding-DNA position 212, A replaced by G.
Protein change: p.Asn71Ser; replaces asparagine 71 with serine.
Molecular consequence: missense variant. On other transcripts: 5 prime UTR variant (4).
Genome position (GRCh38, 1-based): chr8:27,469,843, T>C on the plus strand (A>G on the coding strand, the complement: CHRNA2 is on the minus strand). VCF-style: chr8-27469843-T-C. GRCh37 (hg19) VCF-style: chr8-27327360-T-C.
Other names: p.N71S:AAC>AGC; c.212A>G, p.Asn71Ser (NM_001282455.2); c.-216A>G (NM_001347705.2); c.-261A>G (NM_001347706.2); c.-202A>G (NM_001347707.2); c.-250A>G (NM_001347708.2); short protein forms N71S.
Identifiers: ClinVar variation 204992 (VCV000204992.3), dbSNP rs79290097, ClinGen allele CA313504.

ClinVar aggregate classification (germline): Uncertain significance. Review status: criteria provided, multiple submitters, no conflicts (2 of 4 stars). 2 submissions from 2 submitters: Uncertain significance (2). Last evaluated 2024-05-28.

Conditions:
Autosomal dominant nocturnal frontal lobe epilepsy 4. Also called: EPILEPSY, FAMILIAL, WITH NOCTURNAL WANDERING AND ICTAL FEAR; CHRNA2-Related Nocturnal Frontal Lobe Epilepsy, Autosomal Dominant. Identifiers: Orphanet 98784, MedGen C1835905, MONDO:0012474, OMIM 610353.

Allele frequency attached by ClinVar (database versions not stated): gnomAD 0.00001; gnomAD exomes 0.00001; ExAC 0.00002.
gnomAD v4.1: 9 of 1,613,942 alleles (0.00056%); highest among the groups gnomAD compares: African/African-American, 0.0013%; no homozygotes.

Submissions (2):

Revvity Omics, Revvity
Classification: Uncertain significance for Autosomal dominant nocturnal frontal lobe epilepsy 4. Last evaluated: 2024-05-28. Review status: criteria provided, single submitter. Criteria: ACMG Guidelines, 2015. Collection method: clinical testing. Allele origin: germline.

GeneDx
Classification: Uncertain significance. Last evaluated: 2014-09-30. Review status: criteria provided, single submitter. Criteria: GeneDx Variant Classification (06012015). Collection method: clinical testing. Allele origin: germline. Affected: yes.
Comment: p.Asn71Ser (AAC>AGC): c.212 A>G in exon 3 of the CHRNA2 gene (NM_000742.3). A variant of unknown significance has been identified in the CHRNA2 gene. The N71S variant has not been published as a mutation, nor has it been reported as a benign polymorphism to our knowledge. It was not observed in approximately 6,500 individuals of European and African American ancestry in the NHLBI Exome Sequencing Project, indicating it is not a common benign variant in these populations. The N71S variant is a conservative amino acid substitution, which is not likely to impact secondary protein structure as these residues share similar properties. This amino acid substitution does not occur within the transmembrane region of the protein, where the vast majority of pathogenic missense CHRNA2 mutations have been identified in association with epilepsy (Steinlein et al., 2010). However, this substitution occurs at a position that is highly conserved across species and in silico analysis predicts this variant is probably damaging to the protein structure/function. Therefore, based on the currently available information, it is unclear whether this variant is a pathogenic mutation or a rare benign variant. The variant is found in EPILEPSY panel(s).